The following is an entry in ClinVar:

NM_006329.4(FBLN5):c.724G>A (p.Gly242Ser)

Gene: FBLN5 (fibulin 5; minus strand). Cytogenetic location: 14q32.12.
Variant type: single nucleotide variant.
Coding change: c.724G>A on transcript NM_006329.4 (MANE Select); coding-DNA position 724, G replaced by A.
Protein change: p.Gly242Ser; replaces glycine 242 with serine.
Molecular consequence: missense variant.
Genome position (GRCh38, 1-based): chr14:91,887,208, C>T on the plus strand (G>A on the coding strand, the complement: FBLN5 is on the minus strand). VCF-style: chr14-91887208-C-T. GRCh37 (hg19) VCF-style: chr14-92353552-C-T.
Other names: c.847G>A, p.Gly283Ser (NM_001384158.1); c.775G>A, p.Gly259Ser (NM_001384159.1); c.724G>A, p.Gly242Ser (NM_001384160.1); c.556G>A, p.Gly186Ser (NM_001384161.1, NM_001384162.1); short protein forms G186S, G242S, G259S, G283S.
Identifiers: ClinVar variation 1717786 (VCV001717786.6), dbSNP rs1889765594, ClinGen allele CA390642558.
Genomic context (GRCh38, chr14:91,887,208, plus strand): 5'-AGGCCCCAAGTACAGGTGGAAGTTTCCAATGCGAAAGCCCATTACCACTGCAATGAACGC[C>T]ATCTTCCTCAAGTTCATATCCTGGGTCACAGCGGCAGATGAAAGAGCCGTAGGTGTTGAC-3'
Protein context (NP_006320.2, residues 232-252): CDPGYELEED[Gly242Ser]VHCSDMDECS

ClinVar aggregate classification (germline): Uncertain significance. Review status: criteria provided, multiple submitters, no conflicts (2 of 4 stars). 2 submissions from 2 submitters: Uncertain significance (2). Last evaluated 2024-12-31.

Conditions:
Inborn genetic diseases. Identifiers: MedGen C0950123, MeSH D030342.

Submissions (2):

Ambry Genetics
Classification: Uncertain significance for Inborn genetic diseases. Last evaluated: 2024-12-31. Review status: criteria provided, single submitter. Criteria: Ambry Variant Classification Scheme 2023. Collection method: clinical testing. Allele origin: germline.

Labcorp Genetics (formerly Invitae), Labcorp
Classification: Uncertain significance. Last evaluated: 2022-09-16. Review status: criteria provided, single submitter. Criteria: Invitae Variant Classification Sherloc (09022015). Collection method: clinical testing. Allele origin: germline.
Comment: Advanced modeling of protein sequence and biophysical properties (such as structural, functional, and spatial information, amino acid conservation, physicochemical variation, residue mobility, and thermodynamic stability) performed at Invitae indicates that this missense variant is not expected to disrupt FBLN5 protein function. In summary, the available evidence is currently insufficient to determine the role of this variant in disease. Therefore, it has been classified as a Variant of Uncertain Significance. This variant has not been reported in the literature in individuals affected with FBLN5-related conditions. This sequence change replaces glycine, which is neutral and non-polar, with serine, which is neutral and polar, at codon 242 of the FBLN5 protein (p.Gly242Ser). This variant is not present in population databases (gnomAD no frequency).